The following is an entry in ClinVar:

NM_007272.3(CTRC):c.434A>G (p.Lys145Arg)

Gene: CTRC (chymotrypsin C; plus strand). Cytogenetic location: 1p36.21.
Variant type: single nucleotide variant.
Coding change: c.434A>G on transcript NM_007272.3 (MANE Select); coding-DNA position 434, A replaced by G.
Protein change: p.Lys145Arg; replaces lysine 145 with arginine.
Molecular consequence: missense variant.
Genome position (GRCh38, 1-based): chr1:15,443,496, A>G. VCF-style: chr1-15443496-A-G. GRCh37 (hg19) VCF-style: chr1-15769991-A-G.
Other names: short protein forms K145R.
Identifiers: ClinVar variation 1739909 (VCV001739909.2), dbSNP rs2526297254, ClinGen allele CA338566183.

ClinVar aggregate classification (germline): Uncertain significance (1 of 4 stars; one submission).

Conditions:
Hereditary pancreatitis (PCTT). Also called: Hereditary chronic pancreatitis; PRSS1-Related Hereditary Pancreatitis. Identifiers: Orphanet 676, MedGen C0238339, MONDO:0008185, OMIM 167800.

Submission:

Ambry Genetics
Classification: Uncertain significance for Hereditary pancreatitis. Last evaluated: 2022-05-04. Review status: criteria provided, single submitter. Criteria: Ambry Variant Classification Scheme 2023. Collection method: clinical testing. Allele origin: germline.
Comment: The p.K145R variant (also known as c.434A>G), located in coding exon 5 of the CTRC gene, results from an A to G substitution at nucleotide position 434. The lysine at codon 145 is replaced by arginine, an amino acid with highly similar properties. This amino acid position is conserved. In addition, this alteration is predicted to be tolerated by in silico analysis. Since supporting evidence is limited at this time, the clinical significance of this alteration remains unclear.